The following is an entry in ClinVar:

ClinVar aggregate classification (germline): Uncertain significance (1 of 4 stars; one submission).

Conditions:
Developmental and epileptic encephalopathy, 1 (DEE1). Also called: X-linked infantile spasms; West's syndrome; Tonic spasms with clustering, arrest of psychomotor development and hypsarrhythmia on EEG; X-Linked Infantile Spasm Syndrome; OHTAHARA SYNDROME, X-LINKED; INFANTILE SPASM SYNDROME, X-LINKED 1. Identifiers: MedGen C3463992, MONDO:0010632, OMIM 308350. Disease mechanism: loss of function.
Autosomal recessive spinocerebellar ataxia 12. Also called: SPINOCEREBELLAR ATAXIA WITH MENTAL RETARDATION AND EPILEPSY. Identifiers: Orphanet 284282, MedGen C3280452, MONDO:0013687, OMIM 614322.

gnomAD v4.1: 2 of 1,614,148 alleles (0.00012%); highest among the groups gnomAD compares: Non-Finnish European, 0.00017%; no homozygotes.

Submission:

Labcorp Genetics (formerly Invitae), Labcorp
Classification: Uncertain significance for Developmental and epileptic encephalopathy, 1; Autosomal recessive spinocerebellar ataxia 12. Last evaluated: 2021-06-20. Review status: criteria provided, single submitter. Criteria: Invitae Variant Classification Sherloc (09022015). Collection method: clinical testing. Allele origin: germline.
Comment: In summary, the available evidence is currently insufficient to determine the role of this variant in disease. Therefore, it has been classified as a Variant of Uncertain Significance. Algorithms developed to predict the effect of missense changes on protein structure and function are either unavailable or do not agree on the potential impact of this missense change (SIFT: "Not Available"; PolyPhen-2: "Benign"; Align-GVGD: "Not Available"). This variant has not been reported in the literature in individuals with WWOX-related conditions. This variant is not present in population databases (ExAC no frequency). This sequence change replaces glutamine with glutamic acid at codon 406 of the WWOX protein (p.Gln406Glu). The glutamine residue is weakly conserved and there is a small physicochemical difference between glutamine and glutamic acid.

NM_016373.4(WWOX):c.1216C>G (p.Gln406Glu)

Genes: MAF (MAF bZIP transcription factor; minus strand), WWOX (WW domain containing oxidoreductase; plus strand). Cytogenetic location: 16q23.2.
Variant type: single nucleotide variant.
Coding change: c.1216C>G on transcript NM_016373.4 (MANE Select); coding-DNA position 1216, C replaced by G.
Protein change: p.Gln406Glu; replaces glutamine 406 with glutamic acid.
Molecular consequence: missense variant.
Genome position (GRCh38, 1-based): chr16:79,211,767, C>G. VCF-style: chr16-79211767-C-G. GRCh37 (hg19) VCF-style: chr16-79245664-C-G.
Other names: c.877C>G, p.Gln293Glu (NM_001291997.2); short protein forms Q293E, Q406E.
Identifiers: ClinVar variation 1355450 (VCV001355450.8), dbSNP rs1197462916, ClinGen allele CA396537308.